The following is an entry in ClinVar:

NM_003835.4(RGS9):c.562T>G (p.Trp188Gly)

Gene: RGS9 (regulator of G protein signaling 9; plus strand). Cytogenetic location: 17q24.1.
Variant type: single nucleotide variant.
Coding change: c.562T>G on transcript NM_003835.4 (MANE Select); coding-DNA position 562, T replaced by G.
Protein change: p.Trp188Gly; replaces tryptophan 188 with glycine.
Molecular consequence: missense variant.
Genome position (GRCh38, 1-based): chr17:65,168,261, T>G. VCF-style: chr17-65168261-T-G. GRCh37 (hg19) VCF-style: chr17-63164379-T-G.
Other names: c.562T>G, p.Trp188Gly (NM_001081955.3, NM_001165933.2); short protein forms W188G.
Identifiers: ClinVar variation 1425075 (VCV001425075.8), dbSNP rs1488133317, ClinGen allele CA400666562.

ClinVar aggregate classification (germline): Uncertain significance (1 of 4 stars; one submission).

Allele frequency attached by ClinVar (database versions not stated): gnomAD exomes below 0.00001.
gnomAD v4.1: 3 of 1,610,172 alleles (0.00019%); highest among the groups gnomAD compares: Admixed American, 0.0017%; no homozygotes.

Submission:

Labcorp Genetics (formerly Invitae), Labcorp
Classification: Uncertain significance. Last evaluated: 2022-01-12. Review status: criteria provided, single submitter. Criteria: Invitae Variant Classification Sherloc (09022015). Collection method: clinical testing. Allele origin: germline.
Comment: This sequence change replaces tryptophan, which is neutral and slightly polar, with glycine, which is neutral and non-polar, at codon 188 of the RGS9 protein (p.Trp188Gly). This variant is present in population databases (no rsID available, gnomAD 0.003%). This variant has not been reported in the literature in individuals affected with RGS9-related conditions. Algorithms developed to predict the effect of missense changes on protein structure and function are either unavailable or do not agree on the potential impact of this missense change (SIFT: "Deleterious"; PolyPhen-2: "Probably Damaging"; Align-GVGD: "Class C0"). In summary, the available evidence is currently insufficient to determine the role of this variant in disease. Therefore, it has been classified as a Variant of Uncertain Significance.